The following is an entry in ClinVar:

NM_025114.4(CEP290):c.3573+7G>T

Gene: CEP290 (centrosomal protein 290; minus strand). Cytogenetic location: 12q21.32.
Variant type: single nucleotide variant.
Coding change: c.3573+7G>T on transcript NM_025114.4 (MANE Select); 7 bases into the intron after coding-DNA position 3573, G replaced by T.
Molecular consequence: intron variant.
Genome position (GRCh38, 1-based): chr12:88,090,721, C>A on the plus strand (G>T on the coding strand, the complement: CEP290 is on the minus strand). VCF-style: chr12-88090721-C-A. GRCh37 (hg19) VCF-style: chr12-88484498-C-A.
Other names: c.3573+7G>T (NM_025114.3).
Identifiers: ClinVar variation 1087587 (VCV001087587.11), dbSNP rs2137301511, ClinGen allele CA2499221890.

ClinVar aggregate classification (germline): Likely benign. Review status: criteria provided, single submitter (1 of 4 stars). 2 submissions from 2 submitters: Likely benign (1). 1 of the submissions does not count toward it. Last evaluated 2024-02-16.

Conditions:
CEP290-related disorder. Also called: CEP290-related condition; CEP290-related disorders. Identifiers: MedGen CN239314.
Joubert syndrome. Also called: Familial aplasia of the vermis; CEREBELLOPARENCHYMAL DISORDER IV; JOUBERT-BOLTSHAUSER SYNDROME. Identifiers: Orphanet 475, MedGen C5979921, MONDO:0018772.
Meckel-Gruber syndrome. Also called: Dysencephalia splachnocystica; DYSENCEPHALIA SPLANCHNOCYSTICA; GRUBER SYNDROME. Identifiers: Orphanet 564, MedGen C0265215, MONDO:0018921.
Nephronophthisis. Also called: Juvenile Nephronophthisis. Identifiers: Orphanet 655, MedGen C0687120, MONDO:0019005, HP:0000090.

Allele frequency attached by ClinVar (database versions not stated): gnomAD exomes below 0.00001.

Submissions (2):

Labcorp Genetics (formerly Invitae), Labcorp
Classification: Likely benign for Joubert syndrome; Meckel-Gruber syndrome; Nephronophthisis. Last evaluated: 2024-02-16. Review status: criteria provided, single submitter. Criteria: Invitae Variant Classification Sherloc (09022015). Collection method: clinical testing. Allele origin: germline.

PreventionGenetics, part of Exact Sciences
Classification: Likely benign for CEP290-related condition. Last evaluated: 2022-10-18. Review status: no assertion criteria provided. Collection method: clinical testing. Allele origin: germline. Not counted in ClinVar's aggregate classification.
Comment: This variant is classified as likely benign based on ACMG/AMP sequence variant interpretation guidelines (Richards et al. 2015 PMID: 25741868, with internal and published modifications).